The following is an entry in ClinVar:

ClinVar aggregate classification (germline): Pathogenic (1 of 4 stars; one submission).

Conditions:
Neurofibromatosis, type 1 (NF1). Also called: Neurofibromatosis, type I; VON RECKLINGHAUSEN DISEASE; NEUROFIBROMATOSIS, TYPE I, SOMATIC; Peripheral type neurofibromatosis. Identifiers: Orphanet 636, MedGen C0027831, MONDO:0018975, OMIM 162200. Disease mechanism: loss of function.

Submission:

Labcorp Genetics (formerly Invitae), Labcorp
Classification: Pathogenic for Neurofibromatosis, type 1. Last evaluated: 2021-05-21. Review status: criteria provided, single submitter. Criteria: Invitae Variant Classification Sherloc (09022015). Collection method: clinical testing. Allele origin: germline.
Comment: For these reasons, this variant has been classified as Pathogenic. This variant has not been reported in the literature in individuals with NF1-related conditions. This variant is not present in population databases (ExAC no frequency). This sequence change creates a premature translational stop signal (p.His781Glnfs*10) in the NF1 gene. It is expected to result in an absent or disrupted protein product. Loss-of-function variants in NF1 are known to be pathogenic (PMID: 10712197, 23913538).

Literature cited by the submitters: PubMed 10712197; PubMed 23913538.

NM_001042492.3(NF1):c.2343del (p.His781fs)

Gene: NF1 (neurofibromin 1; plus strand). Cytogenetic location: 17q11.2.
Variant type: Deletion.
Coding change: c.2343del on transcript NM_001042492.3 (MANE Select); coding-DNA position 2343, one base deleted (T; older notation c.2343delT).
Protein change: p.His781fs; shifts the reading frame from histidine 781.
Molecular consequence: frameshift variant.
Genome position (GRCh38, 1-based): chr17:31,227,540, T deleted. VCF-style (leftmost placement, unchanged base first): chr17-31227539-AT-A. GRCh37 (hg19) VCF-style: chr17-29554557-AT-A.
Other names: c.2343delT, p.His781Glnfs (NM_000267.4); short protein forms H781fs.
Identifiers: ClinVar variation 1458383 (VCV001458383.6), dbSNP rs2151427468, ClinGen allele CA2573153287.